The following is an entry in ClinVar:

ClinVar aggregate classification (germline): Pathogenic/Likely pathogenic. Review status: criteria provided, multiple submitters, no conflicts (2 of 4 stars). 2 submissions from 2 submitters: Pathogenic (1); Likely pathogenic (1). Last evaluated 2024-08-07.

Conditions:
Autosomal recessive nonsyndromic hearing loss 77. Identifiers: Orphanet 90636, MedGen C2746083, MONDO:0013119, OMIM 613079.

Allele frequency attached by ClinVar (database versions not stated): gnomAD exomes below 0.00001 and 0.00001; TOPMed below 0.00001.

Submissions (2):

Natera, Inc.
Classification: Likely pathogenic for Autosomal recessive deafness type 77. Last evaluated: 2024-08-07. Review status: criteria provided, single submitter. Criteria: Natera Variant Classification Schema (03/2026). Collection method: clinical testing. Allele origin: germline.
Comment: The c.3475del variant in LOXHD1 is a frameshift variant predicted to shift the reading frame beginning at codon 1159 and leads to a stop codon 21 codons downstream. This variant is expected to result in nonsense mediated decay, truncation, or a dysfunctional protein product. This variant is rare in the general population with a frequency below the threshold expected for the associated phenotype(s). Given the available evidence, this variant is classified as Likely Pathogenic.

Labcorp Genetics (formerly Invitae), Labcorp
Classification: Pathogenic. Last evaluated: 2024-01-16. Review status: criteria provided, single submitter. Criteria: Invitae Variant Classification Sherloc (09022015). Collection method: clinical testing. Allele origin: germline.
Comment: This sequence change creates a premature translational stop signal (p.Asp1159Thrfs*21) in the LOXHD1 gene. It is expected to result in an absent or disrupted protein product. Loss-of-function variants in LOXHD1 are known to be pathogenic (PMID: 19732867, 21465660, 25792669). This variant is not present in population databases (gnomAD no frequency). This variant has not been reported in the literature in individuals affected with LOXHD1-related conditions. ClinVar contains an entry for this variant (Variation ID: 1454221). Algorithms developed to predict the effect of sequence changes on RNA splicing suggest that this variant may disrupt the consensus splice site. For these reasons, this variant has been classified as Pathogenic.

Literature cited by the submitters: PubMed 19732867 (cited by Labcorp Genetics (formerly Invitae), Labcorp); PubMed 21465660 (cited by Labcorp Genetics (formerly Invitae), Labcorp); PubMed 25792669 (cited by Labcorp Genetics (formerly Invitae), Labcorp).

NM_001384474.1(LOXHD1):c.3475del (p.Asp1159fs)

Gene: LOXHD1 (lipoxygenase homology PLAT domains 1; minus strand). Cytogenetic location: 18q21.1.
Variant type: Deletion.
Coding change: c.3475del on transcript NM_001384474.1 (MANE Select); coding-DNA position 3475, one base deleted (G; older notation c.3475delG).
Protein change: p.Asp1159fs; shifts the reading frame from aspartic acid 1159.
Molecular consequence: frameshift variant. On other transcripts: 5 prime UTR variant (1).
Genome position (GRCh38, 1-based): chr18:46,546,934, C deleted on the plus strand (G on the coding strand, the reverse complement: LOXHD1 is on the minus strand). VCF-style (leftmost placement, unchanged base first): chr18-46546933-TC-T. GRCh37 (hg19) VCF-style: chr18-44126896-TC-T.
Other names: c.142del, p.Asp48fs (NM_001145472.3); c.-147del (NM_001308013.2); c.3475del, p.Asp1159fs (NM_144612.7); c.3475del (NM_144612.6); short protein forms D1159fs, D48fs.
Identifiers: ClinVar variation 1454221 (VCV001454221.5), dbSNP rs1220271750, ClinGen allele CA779801395.